The following is an entry in ClinVar:

NM_003907.3(EIF2B5):c.453G>A (p.Val151=)

Gene: EIF2B5 (eukaryotic translation initiation factor 2B subunit epsilon; plus strand). Cytogenetic location: 3q27.1.
Variant type: single nucleotide variant.
Coding change: c.453G>A on transcript NM_003907.3 (MANE Select); coding-DNA position 453, G replaced by A.
Protein change: p.Val151=; no amino-acid change (valine 151 retained).
Molecular consequence: synonymous variant.
Genome position (GRCh38, 1-based): chr3:184,137,752, G>A. VCF-style: chr3-184137752-G-A. GRCh37 (hg19) VCF-style: chr3-183855540-G-A.
Identifiers: ClinVar variation 763954 (VCV000763954.53), dbSNP rs376258328, ClinGen allele CA2726397.

ClinVar aggregate classification (germline): Conflicting classifications of pathogenicity. Review status: criteria provided, conflicting classifications (1 of 4 stars). 5 submissions from 5 submitters: Uncertain significance (1); Likely benign (2). 2 of the submissions do not count toward it. Last evaluated 2024-09-30.

Conditions:
Vanishing white matter disease. Also called: CACH/VWM syndrome; Cree leukoencehalopathy; Childhood ataxia with diffuse central nervous system hypomyelination; Leukoencephalopathy with vanishing white matter; CACH syndrome. Identifiers: Orphanet 135, Orphanet 99853, MedGen C1858991, MONDO:0800448.
EIF2B5-related disorder. Also called: EIF2B5-related condition.

Allele frequency attached by ClinVar (database versions not stated): ExAC 0.00001; gnomAD exomes 0.00002 and 0.00005; gnomAD 0.00003 and 0.00004; TOPMed 0.00003; ESP Exome Variant Server 0.00008.

Submissions (5):

Labcorp Genetics (formerly Invitae), Labcorp
Classification: Likely benign. Last evaluated: 2024-09-30. Review status: criteria provided, single submitter. Criteria: Invitae Variant Classification Sherloc (09022015). Collection method: clinical testing. Allele origin: germline.

CeGaT Center for Human Genetics Tuebingen
Classification: Likely benign. Last evaluated: 2020-07-01. Review status: criteria provided, single submitter. Criteria: CeGaT Center For Human Genetics Tuebingen Variant Classification Criteria Version 2. Collection method: clinical testing. Allele origin: germline. Affected: yes. Observed: 1 variant allele.

Illumina Laboratory Services, Illumina
Classification: Uncertain significance for Leukoencephalopathy with vanishing white matter 1. Last evaluated: 2018-01-12. Review status: criteria provided, single submitter. Criteria: ICSL Variant Classification Criteria 13 December 2019. Collection method: clinical testing. Allele origin: germline.

Natera, Inc.
Classification: Likely benign for Leukoencephalopathy with vanishing white matter. Last evaluated: 2020-05-02. Review status: no assertion criteria provided. Collection method: clinical testing. Allele origin: germline. Not counted in ClinVar's aggregate classification.

PreventionGenetics, part of Exact Sciences
Classification: Likely benign for EIF2B5-related condition. Last evaluated: 2019-06-06. Review status: no assertion criteria provided. Collection method: clinical testing. Allele origin: germline. Not counted in ClinVar's aggregate classification.
Comment: This variant is classified as likely benign based on ACMG/AMP sequence variant interpretation guidelines (Richards et al. 2015 PMID: 25741868, with internal and published modifications).